The following is an entry in ClinVar:

NM_000264.5(PTCH1):c.4223T>C (p.Leu1408Pro)

Gene: PTCH1 (patched 1; minus strand). Cytogenetic location: 9q22.32.
Variant type: single nucleotide variant.
Coding change: c.4223T>C on transcript NM_000264.5 (MANE Select); coding-DNA position 4223, T replaced by C.
Protein change: p.Leu1408Pro; replaces leucine 1408 with proline.
Molecular consequence: missense variant. On other transcripts: non-coding transcript variant (1).
Genome position (GRCh38, 1-based): chr9:95,447,033, A>G on the plus strand (T>C on the coding strand, the complement: PTCH1 is on the minus strand). VCF-style: chr9-95447033-A-G. GRCh37 (hg19) VCF-style: chr9-98209315-A-G.
Other names: c.4025T>C, p.Leu1342Pro (NM_001083602.3); c.4220T>C, p.Leu1407Pro (NM_001083603.3); c.3770T>C, p.Leu1257Pro (NM_001083604.3, NM_001083605.3, NM_001083606.3 and 1 more transcripts); c.4067T>C, p.Leu1356Pro (NM_001354918.2); short protein forms L1257P, L1408P, L1342P, L1356P, L1407P.
Identifiers: ClinVar variation 3705504 (VCV003705504.2).
Genomic context (GRCh38, chr9:95,447,033, plus strand): 5'-TCCACCTTCGAATCCCTCCTCTCACACCGGACGTGGAAAGGCACGTGGGGGTCCTCAAAC[A>G]GGCCGTGGTCAGTCTCAGGGTAGCCTGGGCAGAGTCCCCCTCGGGGGTTCCGCCCAGGCC-3'
Protein context (NP_000255.2, residues 1398-1418): CPGYPETDHG[Leu1408Pro]FEDPHVPFHV

ClinVar aggregate classification (germline): Uncertain significance (1 of 4 stars; one submission).

Conditions:
Gorlin syndrome. Also called: Nevoid Basal Cell Carcinoma Syndrome; Basal cell nevus syndrome. Identifiers: Orphanet 377, MedGen C0004779, MONDO:0007187.

gnomAD v4.1: 1 of 1,614,158 alleles (0.000062%); highest among the groups gnomAD compares: Non-Finnish European, 0.000085%; no homozygotes.

Submission:

Labcorp Genetics (formerly Invitae), Labcorp
Classification: Uncertain significance for Gorlin syndrome. Last evaluated: 2024-09-12. Review status: criteria provided, single submitter. Criteria: Invitae Variant Classification Sherloc (09022015). Collection method: clinical testing. Allele origin: germline.
Comment: This sequence change replaces leucine, which is neutral and non-polar, with proline, which is neutral and non-polar, at codon 1408 of the PTCH1 protein (p.Leu1408Pro). This variant is not present in population databases (gnomAD no frequency). This variant has not been reported in the literature in individuals affected with PTCH1-related conditions. Invitae Evidence Modeling of protein sequence and biophysical properties (such as structural, functional, and spatial information, amino acid conservation, physicochemical variation, residue mobility, and thermodynamic stability) indicates that this missense variant is not expected to disrupt PTCH1 protein function with a negative predictive value of 95%. In summary, the available evidence is currently insufficient to determine the role of this variant in disease. Therefore, it has been classified as a Variant of Uncertain Significance.